The following is an entry in ClinVar:

NM_020207.7(ERCC6L2):c.1691T>C (p.Leu564Pro)

Gene: ERCC6L2 (ERCC excision repair 6 like 2; plus strand). Cytogenetic location: 9q22.32.
Variant type: single nucleotide variant.
Coding change: c.1691T>C on transcript NM_020207.7 (MANE Select); coding-DNA position 1691, T replaced by C.
Protein change: p.Leu564Pro; replaces leucine 564 with proline.
Molecular consequence: missense variant. On other transcripts: non-coding transcript variant (1).
Genome position (GRCh38, 1-based): chr9:95,928,804, T>C. VCF-style: chr9-95928804-T-C. GRCh37 (hg19) VCF-style: chr9-98691086-T-C.
Other names: c.1691T>C, p.Leu564Pro (NM_001010895.4, NM_001375291.1, NM_001375292.1 and 2 more transcripts); short protein forms L564P.
Identifiers: ClinVar variation 1522092 (VCV001522092.7), dbSNP rs1035137437, ClinGen allele CA196577519.

ClinVar aggregate classification (germline): Uncertain significance. Review status: criteria provided, multiple submitters, no conflicts (2 of 4 stars). 2 submissions from 2 submitters: Uncertain significance (2). Last evaluated 2025-07-31.

Conditions:
Inborn genetic diseases. Identifiers: MedGen C0950123, MeSH D030342.

Allele frequency attached by ClinVar (database versions not stated): gnomAD exomes below 0.00001; TOPMed below 0.00001.
gnomAD v4.1: 4 of 1,612,972 alleles (0.00025%); highest among the groups gnomAD compares: Non-Finnish European, 0.00034%; no homozygotes.

Submissions (2):

Ambry Genetics
Classification: Uncertain significance for Inborn genetic diseases. Last evaluated: 2025-07-31. Review status: criteria provided, single submitter. Criteria: Ambry Variant Classification Scheme 2023. Collection method: clinical testing. Allele origin: germline.

Labcorp Genetics (formerly Invitae), Labcorp
Classification: Uncertain significance. Last evaluated: 2022-05-17. Review status: criteria provided, single submitter. Criteria: Invitae Variant Classification Sherloc (09022015). Collection method: clinical testing. Allele origin: germline.
Comment: This sequence change replaces leucine, which is neutral and non-polar, with proline, which is neutral and non-polar, at codon 575 of the ERCC6L2 protein (p.Leu575Pro). The frequency data for this variant in the population databases is considered unreliable, as metrics indicate poor data quality at this position in the gnomAD database. This variant has not been reported in the literature in individuals affected with ERCC6L2-related conditions. Algorithms developed to predict the effect of missense changes on protein structure and function are either unavailable or do not agree on the potential impact of this missense change (SIFT: "Tolerated"; PolyPhen-2: "Not Available"; Align-GVGD: "Class C0"). In summary, the available evidence is currently insufficient to determine the role of this variant in disease. Therefore, it has been classified as a Variant of Uncertain Significance.